The following is an entry in ClinVar:

ClinVar aggregate classification (germline): Uncertain significance (1 of 4 stars; one submission).

Submission:

GeneDx
Classification: Uncertain significance. Last evaluated: 2024-12-03. Review status: criteria provided, single submitter. Criteria: GeneDx Variant Classification Process June 2021. Collection method: clinical testing. Allele origin: germline. Affected: yes.
Comment: Not observed at significant frequency in large population cohorts (gnomAD); In silico analysis supports that this missense variant has a deleterious effect on protein structure/function; Has not been previously published as pathogenic or benign to our knowledge

NM_001098511.3(KIF2A):c.1451G>C (p.Ser484Thr)

Gene: KIF2A (kinesin family member 2A; plus strand). Cytogenetic location: 5q12.1.
Variant type: single nucleotide variant.
Coding change: c.1451G>C on transcript NM_001098511.3 (MANE Select); coding-DNA position 1451, G replaced by C.
Protein change: p.Ser484Thr; replaces serine 484 with threonine.
Molecular consequence: missense variant.
Genome position (GRCh38, 1-based): chr5:62,363,883, G>C. VCF-style: chr5-62363883-G-C. GRCh37 (hg19) VCF-style: chr5-61659710-G-C.
Other names: c.1370G>C, p.Ser457Thr (NM_001243952.2); c.1394G>C, p.Ser465Thr (NM_001243953.2); c.1451G>C, p.Ser484Thr (NM_004520.5); short protein forms S457T, S465T, S484T.
Identifiers: ClinVar variation 3901727 (VCV003901727.1).